The following is an entry in ClinVar:

ClinVar aggregate classification (germline): Uncertain significance (1 of 4 stars; one submission).

Conditions:
Dyskeratosis congenita, autosomal dominant 1 (DKCA1). Also called: Dyskeratosis congenita Scoggins type. Identifiers: Orphanet 1775, MedGen C4551974, MONDO:0007485, OMIM 127550. Inheritance: Variable.

Submission:

Labcorp Genetics (formerly Invitae), Labcorp
Classification: Uncertain significance for Dyskeratosis congenita, autosomal dominant 1. Last evaluated: 2025-01-12. Review status: criteria provided, single submitter. Criteria: Invitae Variant Classification Sherloc (09022015). Collection method: clinical testing. Allele origin: germline.
Comment: This variant occurs in the TERC gene, which encodes an RNA molecule that does not result in a protein product. This variant is not present in population databases (gnomAD no frequency). This variant has not been reported in the literature in individuals affected with TERC-related conditions. ClinVar contains an entry for this variant (Variation ID: 567589). This variant is located within the template/pseudoknot domain of the TERC RNA component, which is required for RNA or RNP stability (PMID: 15082312, 21844345). This variant is located in a region of TERC in which a significant number of disease causing variants have been reported (PMID: 15082312, 21844345, 21931702). These observations suggest that this may be a clinically significant region. In summary, the available evidence is currently insufficient to determine the role of this variant in disease. Therefore, it has been classified as a Variant of Uncertain Significance.

Literature cited by the submitters: PubMed 15082312; PubMed 21844345; PubMed 21931702.

NR_001566.3(TERC):n.38_39dup

Genes: TERC (telomerase RNA component; minus strand), LOC110806306 (telomerase RNA component (TERC) promoter; plus strand). Cytogenetic location: 3q26.2.
Variant type: Duplication.
Genome position: GRCh38 VCF-style: chr3-169765017-C-CAA. GRCh37 (hg19) VCF-style: chr3-169482805-C-CAA.
Identifiers: ClinVar variation 567589 (VCV000567589.7), dbSNP rs1350357211, ClinGen allele CA891843181.